The following is an entry in ClinVar:

ClinVar aggregate classification (germline): Pathogenic. Review status: criteria provided, multiple submitters, no conflicts (2 of 4 stars). 2 submissions from 2 submitters: Pathogenic (2). Last evaluated 2019-12-25.

Conditions:
Rubinstein-Taybi syndrome due to EP300 haploinsufficiency. Also called: EP300-Related Rubinstein-Taybi Syndrome; RUBINSTEIN-TAYBI SYNDROME 2. Identifiers: Orphanet 353284, Orphanet 783, MedGen C3150941, MONDO:0013364, OMIM 613684.

Submissions (2):

Labcorp Genetics (formerly Invitae), Labcorp
Classification: Pathogenic for Rubinstein-Taybi syndrome due to EP300 haploinsufficiency. Last evaluated: 2019-12-25. Review status: criteria provided, single submitter. Criteria: Invitae Variant Classification Sherloc (09022015). Collection method: clinical testing. Allele origin: germline.
Comment: This variant is not present in population databases (ExAC no frequency). This sequence change creates a premature translational stop signal (p.Arg1356*) in the EP300 gene. It is expected to result in an absent or disrupted protein product. This variant has been observed in individual(s) with Rubinstein-Taybi syndrome (PMID: 27648933, 27465822). For these reasons, this variant has been classified as Pathogenic. Loss-of-function variants in EP300 are known to be pathogenic (PMID: 15706485, 24476420).

Juno Genomics, Hangzhou Juno Genomics, Inc
Classification: Pathogenic for Rubinstein-Taybi syndrome due to EP300 haploinsufficiency. Review status: criteria provided, single submitter. Criteria: ACMG Guidelines, 2015. Collection method: clinical testing. Allele origin: germline. Affected: yes.
Comment: Absent from controls (or at extremely low frequency if recessive) in Genome Aggregation Database, Exome Sequencing Project, 1000 Genomes Project, or Exome Aggregation Consortium.;The prevalence of the variant in affected individuals is significantly increased compared to the prevalence in controls.;Assumed de novo, but without confirmation of paternity and maternity.;Null variant in a gene where loss of function (LOF) is a known mechanism of disease.

Literature cited by the submitters: PubMed 27648933 (cited by Labcorp Genetics (formerly Invitae), Labcorp); PubMed 27465822 (cited by Labcorp Genetics (formerly Invitae), Labcorp); PubMed 15706485 (cited by Labcorp Genetics (formerly Invitae), Labcorp); PubMed 24476420 (cited by Labcorp Genetics (formerly Invitae), Labcorp).

NM_001429.4(EP300):c.4066C>T (p.Arg1356Ter)

Gene: EP300 (EP300 lysine acetyltransferase; plus strand). Cytogenetic location: 22q13.2.
Variant type: single nucleotide variant.
Coding change: c.4066C>T on transcript NM_001429.4 (MANE Select); coding-DNA position 4066, C replaced by T.
Protein change: p.Arg1356Ter; replaces arginine 1356 with a stop codon.
Molecular consequence: nonsense.
Genome position (GRCh38, 1-based): chr22:41,168,761, C>T. VCF-style: chr22-41168761-C-T. GRCh37 (hg19) VCF-style: chr22-41564765-C-T.
Other names: c.3988C>T, p.Arg1330Ter (NM_001362843.2); short protein forms R1356*, R1330*.
Identifiers: ClinVar variation 842871 (VCV000842871.14), dbSNP rs1440862488, ClinGen allele CA411699961.
Genomic context (GRCh38, chr22:41,168,761, plus strand): 5'-CCACCATCTCAATTGTATAGGTTTGTGGACAGTGGAGAGATGGCAGAATCCTTTCCATAC[C>T]GAACCAAAGCCCTCTTTGCCTTTGAAGAAATTGATGGTGTTGACCTGTGCTTCTTTGGCA-3'